The following is an entry in ClinVar:

NM_000383.4(AIRE):c.112G>T (p.Val38Phe)

Gene: AIRE (autoimmune regulator; plus strand). Cytogenetic location: 21q22.3.
Variant type: single nucleotide variant.
Coding change: c.112G>T on transcript NM_000383.4 (MANE Select); coding-DNA position 112, G replaced by T.
Protein change: p.Val38Phe; replaces valine 38 with phenylalanine.
Molecular consequence: missense variant.
Genome position (GRCh38, 1-based): chr21:44,286,118, G>T. VCF-style: chr21-44286118-G-T. GRCh37 (hg19) VCF-style: chr21-45706001-G-T.
Other names: short protein forms V38F.
Identifiers: ClinVar variation 3637837 (VCV003637837.2).

ClinVar aggregate classification (germline): Uncertain significance (1 of 4 stars; one submission).

Conditions:
Polyglandular autoimmune syndrome, type 1 (APS1). Also called: HYPOADRENOCORTICISM WITH HYPOPARATHYROIDISM AND SUPERFICIAL MONILIASIS; PGA I; AUTOIMMUNE POLYENDOCRINE SYNDROME, TYPE I, WITH OR WITHOUT REVERSIBLE METAPHYSEAL DYSPLASIA; APS I; Autoimmune polyendocrinopathy syndrome , type I, with or without reversible metaphyseal dysplasia; Whitaker syndrome. Identifiers: Orphanet 3453, MedGen C0085859, MONDO:0009411, OMIM 240300.

Submission:

Labcorp Genetics (formerly Invitae), Labcorp
Classification: Uncertain significance for Polyglandular autoimmune syndrome, type 1. Last evaluated: 2024-02-01. Review status: criteria provided, single submitter. Criteria: Invitae Variant Classification Sherloc (09022015). Collection method: clinical testing. Allele origin: germline.
Comment: This sequence change replaces valine, which is neutral and non-polar, with phenylalanine, which is neutral and non-polar, at codon 38 of the AIRE protein (p.Val38Phe). This variant is not present in population databases (gnomAD no frequency). This variant has not been reported in the literature in individuals affected with AIRE-related conditions. Advanced modeling of protein sequence and biophysical properties (such as structural, functional, and spatial information, amino acid conservation, physicochemical variation, residue mobility, and thermodynamic stability) has been performed at Invitae for this missense variant, however the output from this modeling did not meet the statistical confidence thresholds required to predict the impact of this variant on AIRE protein function. In summary, the available evidence is currently insufficient to determine the role of this variant in disease. Therefore, it has been classified as a Variant of Uncertain Significance.